The following is an entry in ClinVar:

NM_000368.5(TSC1):c.713A>G (p.Lys238Arg)

Gene: TSC1 (TSC complex subunit 1; minus strand). Cytogenetic location: 9q34.13.
Variant type: single nucleotide variant.
Coding change: c.713A>G on transcript NM_000368.5 (MANE Select); coding-DNA position 713, A replaced by G.
Protein change: p.Lys238Arg; replaces lysine 238 with arginine.
Molecular consequence: missense variant.
Genome position (GRCh38, 1-based): chr9:132,921,387, T>C on the plus strand (A>G on the coding strand, the complement: TSC1 is on the minus strand). VCF-style: chr9-132921387-T-C. GRCh37 (hg19) VCF-style: chr9-135796774-T-C.
Other names: c.713A>G, p.Lys238Arg (NM_001162426.2); c.560A>G, p.Lys187Arg (NM_001162427.2); c.350A>G, p.Lys117Arg (NM_001362177.2); c.713A>G (NM_000368.4); short protein forms K238R, K117R, K187R.
Identifiers: ClinVar variation 1470860 (VCV001470860.9), dbSNP rs2132134825, ClinGen allele CA375371309.

ClinVar aggregate classification (germline): Uncertain significance. Review status: criteria provided, multiple submitters, no conflicts (2 of 4 stars). 2 submissions from 2 submitters: Uncertain significance (2). Last evaluated 2026-05-06.

Conditions:
Tuberous sclerosis 1 (TSC1). Identifiers: Orphanet 805, MedGen C1854465, MONDO:0008612, OMIM 191100.
Hereditary cancer-predisposing syndrome. Also called: Tumor predisposition; Neoplastic Syndromes, Hereditary; Hereditary Cancer Syndrome; Hereditary neoplastic syndrome. Identifiers: Orphanet 140162, MedGen C0027672, MeSH D009386, MONDO:0015356.

Allele frequency attached by ClinVar (database versions not stated): gnomAD exomes below 0.00001.
gnomAD v4.1: 1 of 1,614,170 alleles (0.000062%); highest among the groups gnomAD compares: Non-Finnish European, 0.000085%; no homozygotes.

Submissions (2):

Ambry Genetics
Classification: Uncertain significance for Hereditary cancer-predisposing syndrome. Last evaluated: 2026-05-06. Review status: criteria provided, single submitter. Criteria: Ambry Variant Classification Scheme 2023. Collection method: clinical testing. Allele origin: germline.
Comment: The p.K238R variant (also known as c.713A>G), located in coding exon 6 of the TSC1 gene, results from an A to G substitution at nucleotide position 713. The lysine at codon 238 is replaced by arginine, an amino acid with highly similar properties. This amino acid position is well conserved in available vertebrate species. In addition, the in silico prediction for this alteration is inconclusive. Based on the available evidence, the clinical significance of this variant remains unclear.

Labcorp Genetics (formerly Invitae), Labcorp
Classification: Uncertain significance for Tuberous sclerosis 1. Last evaluated: 2021-03-26. Review status: criteria provided, single submitter. Criteria: Invitae Variant Classification Sherloc (09022015). Collection method: clinical testing. Allele origin: germline.
Comment: This sequence change replaces lysine with arginine at codon 238 of the TSC1 protein (p.Lys238Arg). The lysine residue is moderately conserved and there is a small physicochemical difference between lysine and arginine. In summary, the available evidence is currently insufficient to determine the role of this variant in disease. Therefore, it has been classified as a Variant of Uncertain Significance. Algorithms developed to predict the effect of missense changes on protein structure and function are either unavailable or do not agree on the potential impact of this missense change (SIFT: "Tolerated"; PolyPhen-2: "Probably Damaging"; Align-GVGD: "Class C0"). This variant has not been reported in the literature in individuals with TSC1-related conditions. This variant is not present in population databases (ExAC no frequency).